The following is an entry in ClinVar:

NM_000016.6(ACADM):c.850-2A>G

Gene: ACADM (acyl-CoA dehydrogenase medium chain; plus strand). Cytogenetic location: 1p31.1.
Variant type: single nucleotide variant.
Coding change: c.850-2A>G on transcript NM_000016.6 (MANE Select); the canonical splice acceptor site of the intron before coding-DNA position 850, A replaced by G.
Molecular consequence: splice acceptor variant.
Genome position (GRCh38, 1-based): chr1:75,750,449, A>G. VCF-style: chr1-75750449-A-G. GRCh37 (hg19) VCF-style: chr1-76216134-A-G.
Other names: c.862-2A>G (NM_001127328.3); c.949-2A>G (NM_001286043.2); c.742-2A>G (NM_001286042.2); c.283-2A>G (NM_001286044.2); c.850-2A>G (NM_000016.5).
Identifiers: ClinVar variation 188748 (VCV000188748.7), dbSNP rs761317029, ClinGen allele CA273906.

ClinVar aggregate classification (germline): Pathogenic/Likely pathogenic. Review status: criteria provided, multiple submitters, no conflicts (2 of 4 stars). 3 submissions from 3 submitters: Pathogenic (1); Likely pathogenic (1). 1 of the submissions does not count toward it. Last evaluated 2025-02-03.

Conditions:
Medium-chain acyl-coenzyme A dehydrogenase deficiency (ACADMD). Also called: MCADD; ACADM DEFICIENCY; CARNITINE DEFICIENCY SECONDARY TO MEDIUM-CHAIN ACYL-CoA DEHYDROGENASE DEFICIENCY; MCADH DEFICIENCY; MCAD Deficiency; Medium chain acyl-CoA dehydrogenase deficiency. Identifiers: Orphanet 42, MedGen C0220710, MONDO:0008721, OMIM 201450.

Allele frequency attached by ClinVar (database versions not stated): gnomAD exomes below 0.00001 and 0.00001; ExAC 0.00001.
gnomAD v4.1: 2 of 1,606,806 alleles (0.00012%); highest among the groups gnomAD compares: Non-Finnish European, 0.00017%; no homozygotes.

Submissions (3):

Natera, Inc.
Classification: Likely pathogenic for Medium Chain Acyl-CoA Dehydrogenase Deficiency. Last evaluated: 2025-02-03. Review status: criteria provided, single submitter. Criteria: Natera Variant Classification Schema (03/2026). Collection method: clinical testing. Allele origin: germline.
Comment: The c.850-2A>G variant in ACADM is a canonical splice acceptor site variant predicted to affect pre-mRNA splicing, which may result in an abnormal transcript and altered protein product. This variant is expected to result in nonsense mediated decay, truncation, or a dysfunctional protein product. This variant is rare in the general population with a frequency below the threshold expected for the associated phenotype(s). This variant has been observed in one or more individuals affected with the associated recessive disease, as either homozygous or compound heterozygous with a second variant (PMID: 37867076). Given the available evidence, this variant is classified as Likely Pathogenic.

Labcorp Genetics (formerly Invitae), Labcorp
Classification: Pathogenic for Medium-chain acyl-coenzyme A dehydrogenase deficiency. Last evaluated: 2024-01-14. Review status: criteria provided, single submitter. Criteria: Invitae Variant Classification Sherloc (09022015). Collection method: clinical testing. Allele origin: germline.
Comment: This sequence change affects an acceptor splice site in intron 9 of the ACADM gene. It is expected to disrupt RNA splicing. Variants that disrupt the donor or acceptor splice site typically lead to a loss of protein function (PMID: 16199547), and loss-of-function variants in ACADM are known to be pathogenic (PMID: 16121256, 20434380). This variant is present in population databases (rs761317029, gnomAD 0.002%). Disruption of this splice site has been observed in individual(s) with MCAD deficiency (PMID: 15832312). ClinVar contains an entry for this variant (Variation ID: 188748). Algorithms developed to predict the effect of sequence changes on RNA splicing suggest that this variant may disrupt the consensus splice site. For these reasons, this variant has been classified as Pathogenic.

Counsyl
Classification: Likely pathogenic for Medium-chain acyl-coenzyme A dehydrogenase deficiency. Last evaluated: 2014-04-07. Review status: no assertion criteria provided. Collection method: literature only. Allele origin: unknown. Inheritance: Autosomal recessive inheritance. Not counted in ClinVar's aggregate classification.

Literature cited by the submitters: PubMed 37867076 (cited by Natera, Inc.); PubMed 16199547 (cited by Labcorp Genetics (formerly Invitae), Labcorp); PubMed 16121256 (cited by Labcorp Genetics (formerly Invitae), Labcorp); PubMed 20434380 (cited by Labcorp Genetics (formerly Invitae), Labcorp); PubMed 15832312 (cited by Labcorp Genetics (formerly Invitae), Labcorp and Counsyl).